The following is an entry in ClinVar:

NM_017671.5(FERMT1):c.*2016T>A

Gene: FERMT1 (FERM domain containing kindlin 1; minus strand). Cytogenetic location: 20p12.3.
Variant type: single nucleotide variant.
Coding change: c.*2016T>A on transcript NM_017671.5 (MANE Select); 2016 bases downstream of the stop codon, T replaced by A.
Molecular consequence: 3 prime UTR variant.
Genome position (GRCh38, 1-based): chr20:6,075,157, A>T on the plus strand (T>A on the coding strand, the complement: FERMT1 is on the minus strand). VCF-style: chr20-6075157-A-T. GRCh37 (hg19) VCF-style: chr20-6055804-A-T.
Identifiers: ClinVar variation 339177 (VCV000339177.6), dbSNP rs6117066, ClinGen allele CA10652747.

ClinVar aggregate classification (germline): Benign. Review status: criteria provided, multiple submitters, no conflicts (2 of 4 stars). 2 submissions from 2 submitters: Benign (2). Last evaluated 2018-01-13.

Conditions:
Kindler syndrome (KNDLRS). Also called: BULLOUS ACROKERATOTIC POIKILODERMA OF KINDLER AND WEARY; POIKILODERMA, CONGENITAL, WITH BULLAE, WEARY TYPE; POIKILODERMA, HEREDITARY ACROKERATOTIC; Hereditary acrokeratotic poikiloderma of Weary; Poikiloderma of Kindler; Congenital bullous poikiloderma. Identifiers: Orphanet 2908, Orphanet 306539, MedGen C0406557, MONDO:0008260, OMIM 173650.

Allele frequency attached by ClinVar (database versions not stated): gnomAD exomes 0.02174; gnomAD 0.04406 and 0.04507; TOPMed 0.04789; 1000 Genomes Project 0.06050; 1000 Genomes Project 30x 0.06355.
gnomAD v4.1: 6,831 of 152,238 alleles (4.5%); highest among the groups gnomAD compares: African/African-American, 11%; 305 homozygotes.

Submissions (2):

Illumina Laboratory Services, Illumina
Classification: Benign for Kindler syndrome. Last evaluated: 2018-01-13. Review status: criteria provided, single submitter. Criteria: ICSL Variant Classification Criteria 13 December 2019. Collection method: clinical testing. Allele origin: germline.
Comment: This variant was observed in the ICSL laboratory as part of a predisposition screen in an ostensibly healthy population. It had not been previously curated by ICSL or reported in the Human Gene Mutation Database (HGMD: prior to June 1st, 2018), and was therefore a candidate for classification through an automated scoring system. Utilizing variant allele frequency, disease prevalence and penetrance estimates, and inheritance mode, an automated score was calculated to assess if this variant is too frequent to cause the disease. Based on the score and internal cut-off values, a variant classified as benign is not then subjected to further curation. The score for this variant resulted in a classification of benign for this disease.

Breakthrough Genomics
Classification: Benign. Review status: criteria provided, single submitter. Criteria: ACMG Guidelines, 2015. Collection method: not provided. Allele origin: germline. Inheritance: Autosomal recessive inheritance. Affected: yes.